The following is an entry in ClinVar:

ClinVar aggregate classification (germline): Uncertain significance (1 of 4 stars; one submission).

Submission:

Labcorp Genetics (formerly Invitae), Labcorp
Classification: Uncertain significance. Last evaluated: 2020-09-09. Review status: criteria provided, single submitter. Criteria: Invitae Variant Classification Sherloc (09022015). Collection method: clinical testing. Allele origin: germline.
Comment: In summary, the available evidence is currently insufficient to determine the role of this variant in disease. Therefore, it has been classified as a Variant of Uncertain Significance. Algorithms developed to predict the effect of missense changes on protein structure and function (SIFT, PolyPhen-2, Align-GVGD) all suggest that this variant is likely to be tolerated, but these predictions have not been confirmed by published functional studies and their clinical significance is uncertain. This variant has not been reported in the literature in individuals with ATR-related conditions. This variant is not present in population databases (ExAC no frequency). This sequence change replaces isoleucine with methionine at codon 375 of the ATR protein (p.Ile375Met). The isoleucine residue is moderately conserved and there is a small physicochemical difference between isoleucine and methionine.

NM_001184.4(ATR):c.1125T>G (p.Ile375Met)

Gene: ATR (ATR checkpoint kinase; minus strand). Cytogenetic location: 3q23.
Variant type: single nucleotide variant.
Coding change: c.1125T>G on transcript NM_001184.4 (MANE Select); coding-DNA position 1125, T replaced by G.
Protein change: p.Ile375Met; replaces isoleucine 375 with methionine.
Molecular consequence: missense variant.
Genome position (GRCh38, 1-based): chr3:142,562,277, A>C on the plus strand (T>G on the coding strand, the complement: ATR is on the minus strand). VCF-style: chr3-142562277-A-C. GRCh37 (hg19) VCF-style: chr3-142281119-A-C.
Other names: c.1125T>G, p.Ile375Met (NM_001354579.2); short protein forms I375M.
Identifiers: ClinVar variation 1008822 (VCV001008822.8), dbSNP rs2034910488, ClinGen allele CA354823627.